The following is an entry in ClinVar:

ClinVar aggregate classification (germline): Likely benign. Review status: criteria provided, multiple submitters, no conflicts (2 of 4 stars). 4 submissions from 4 submitters: Likely benign (4). Last evaluated 2025-04-11.

Conditions:
Aneurysm-osteoarthritis syndrome. Also called: SMAD3-Related Loeys-Dietz Syndrome; ANEURYSMS-OSTEOARTHRITIS SYNDROME; Loeys-Dietz syndrome, type 1C; LOEYS-DIETZ SYNDROME WITH OSTEOARTHRITIS. Identifiers: Orphanet 284984, MedGen C3151087, MONDO:0013426, OMIM 613795.
Familial thoracic aortic aneurysm and aortic dissection (TAAD). Also called: Thoracic aortic aneurysms and dissections. Identifiers: Orphanet 91387, MedGen C4707243, MONDO:0019625.

Allele frequency attached by ClinVar (database versions not stated): ExAC 0.00001; gnomAD 0.00001 and 0.00002; gnomAD exomes 0.00001 and 0.00002; TOPMed 0.00002.
gnomAD v4.1: 15 of 1,614,082 alleles (0.00093%); highest among the groups gnomAD compares: Admixed American, 0.0067%; 1 homozygote.

Submissions (4):

Labcorp Genetics (formerly Invitae), Labcorp
Classification: Likely benign for Familial thoracic aortic aneurysm and aortic dissection. Last evaluated: 2025-04-11. Review status: criteria provided, single submitter. Criteria: Invitae Variant Classification Sherloc (09022015). Collection method: clinical testing. Allele origin: germline.

Ambry Genetics
Classification: Likely benign for Familial thoracic aortic aneurysm and aortic dissection. Last evaluated: 2024-04-11. Review status: criteria provided, single submitter. Criteria: Ambry Variant Classification Scheme 2023. Collection method: clinical testing. Allele origin: germline.

All of Us Research Program, National Institutes of Health
Classification: Likely benign for Aneurysm-osteoarthritis syndrome. Last evaluated: 2024-02-05. Review status: criteria provided, single submitter. Criteria: ACMG Guidelines, 2015. Collection method: clinical testing. Allele origin: germline. Inheritance: Autosomal dominant inheritance. Observed: 6 variant alleles, 6 heterozygotes.
Comment: This study involves interpretation of variants in research participants for the purpose of population health screening. Participant phenotype was not available at the time of variant classification. Additional details can be found in publication PMID: 35346344, PMCID: PMC8962531

Color Diagnostics, LLC DBA Color Health
Classification: Likely benign for Familial thoracic aortic aneurysm and aortic dissection. Last evaluated: 2019-05-28. Review status: criteria provided, single submitter. Criteria: ACMG Guidelines, 2015. Collection method: clinical testing. Allele origin: germline.

NM_005902.4(SMAD3):c.1146G>A (p.Ala382=)

Gene: SMAD3 (SMAD family member 3; plus strand). Cytogenetic location: 15q22.33.
Variant type: single nucleotide variant.
Coding change: c.1146G>A on transcript NM_005902.4 (MANE Select); coding-DNA position 1146, G replaced by A.
Protein change: p.Ala382=; no amino-acid change (alanine 382 retained).
Molecular consequence: synonymous variant.
Genome position (GRCh38, 1-based): chr15:67,187,501, G>A. VCF-style: chr15-67187501-G-A. GRCh37 (hg19) VCF-style: chr15-67479839-G-A.
Other names: c.831G>A, p.Ala277= (NM_001145102.2); c.1014G>A, p.Ala338= (NM_001145103.2); c.561G>A, p.Ala187= (NM_001145104.2).
Identifiers: ClinVar variation 704048 (VCV000704048.12), dbSNP rs746494089, ClinGen allele CA061623.
Genomic context (GRCh38, chr15:67,187,501, plus strand): 5'-TGTCTACCAGTTGACCCGAATGTGCACCATCCGCATGAGCTTCGTCAAAGGCTGGGGAGC[G>A]GAGTACAGGTCAGTTATGGGTGCTGCCTACATCAGGGGACCCAACTCCAGGTGACTCTGG-3'
Protein context (NP_005893.1, residues 372-392): IRMSFVKGWG[Ala382=]EYRRQTVTST